The following is an entry in ClinVar:

ClinVar aggregate classification (germline): Pathogenic (1 of 4 stars; one submission).

Conditions:
Generalized juvenile polyposis/juvenile polyposis coli. Also called: Juvenile polyposis coli. Identifiers: Orphanet 329971, MedGen C1868081, MONDO:0008276.

Submission:

Labcorp Genetics (formerly Invitae), Labcorp
Classification: Pathogenic for Juvenile polyposis syndrome. Last evaluated: 2018-12-25. Review status: criteria provided, single submitter. Criteria: Invitae Variant Classification Sherloc (09022015). Collection method: clinical testing. Allele origin: germline.
Comment: This variant is a gross deletion of the genomic region encompassing the promoter (non-coding exon 1) of the BMPR1A gene. The 5' end of this event is unknown as it extends beyond the assayed region for this gene, and therefore may encompass additional genes. The 3' boundary is likely confined to the region between non-coding exon 1 and non-coding exon 2. A large genomic deletion involving the promoter region (non-coding exon 1) has been reported to segregate with BMPR1A-related disease in a family (PMID: 20843829). A similar deletion involving the promoter region has also been reported in an individual with congenital heart defect who was pending for juvenile polyposis screening (PMID: 22067610). Experimental studies have shown that deletion of this promoter region impairs the transcription of a reporter gene in vitro, and protein samples derived from individuals carrying this variant showed reduced BMPR1A protein levels compared to a control sample (PMID: 20843829, 21872883). For these reasons, this variant has been classified as Pathogenic.

Literature cited by the submitters: PubMed 22067610; PubMed 20843829; PubMed 21872883.

NM_004329.3(BMPR1A):c.-547_-268+1del

Genes: BMPR1A (bone morphogenetic protein receptor type 1A; plus strand), LOC130004245 (ATAC-STARR-seq lymphoblastoid silent region 2573; plus strand). Cytogenetic location: 10q23.2.
Variant type: Deletion.
Coding change: c.-547_-268+1del on transcript NM_004329.3 (MANE Select); 547 bases upstream of the start codon through the canonical splice donor site of the intron after 268 bases upstream of the start codon, 281 bases deleted.
Molecular consequence: splice donor variant.
Genome position (GRCh38, 1-based): chr10:86,756,640-86,756,920, 281 bases deleted. GRCh37 (hg19): chr10:88,516,397-88,516,677.
Identifiers: ClinVar variation 571700 (VCV000571700.2), dbSNP rs1564673999, ClinGen allele CA891843326.